The following is an entry in ClinVar:

ClinVar aggregate classification (germline): Uncertain significance (1 of 4 stars; one submission).

Conditions:
Combined immunodeficiency due to DOCK8 deficiency (HIES2). Also called: HIES autosomal recessive; HYPER-IgE RECURRENT INFECTION SYNDROME 2, AUTOSOMAL RECESSIVE; HYPER-IgE SYNDROME 2, AUTOSOMAL RECESSIVE, WITH RECURRENT INFECTIONS; Hyper-IgE recurrent infection syndrome, autosomal recessive; DOCK8 Deficiency. Identifiers: Orphanet 217390, MedGen C4722305, MONDO:0009478, OMIM 243700.

gnomAD v4.1: 1 of 1,613,268 alleles (0.000062%); highest among the groups gnomAD compares: Non-Finnish European, 0.000085%; no homozygotes.

Submission:

Labcorp Genetics (formerly Invitae), Labcorp
Classification: Uncertain significance for Combined immunodeficiency due to DOCK8 deficiency. Last evaluated: 2025-09-03. Review status: criteria provided, single submitter. Criteria: Invitae Variant Classification Sherloc (09022015). Collection method: clinical testing. Allele origin: germline.
Comment: This sequence change replaces glutamine, which is neutral and polar, with arginine, which is basic and polar, at codon 727 of the DOCK8 protein (p.Gln727Arg). This variant is not present in population databases (gnomAD no frequency). This variant has not been reported in the literature in individuals affected with DOCK8-related conditions. Invitae Evidence Modeling of protein sequence and biophysical properties (such as structural, functional, and spatial information, amino acid conservation, physicochemical variation, residue mobility, and thermodynamic stability) indicates that this missense variant is not expected to disrupt DOCK8 protein function with a negative predictive value of 80%. In summary, the available evidence is currently insufficient to determine the role of this variant in disease. Therefore, it has been classified as a Variant of Uncertain Significance.

NM_203447.4(DOCK8):c.2180A>G (p.Gln727Arg)

Gene: DOCK8 (dedicator of cytokinesis 8; plus strand). Cytogenetic location: 9p24.3.
Variant type: single nucleotide variant.
Coding change: c.2180A>G on transcript NM_203447.4 (MANE Select); coding-DNA position 2180, A replaced by G.
Protein change: p.Gln727Arg; replaces glutamine 727 with arginine.
Molecular consequence: missense variant.
Genome position (GRCh38, 1-based): chr9:376,280, A>G. VCF-style: chr9-376280-A-G. GRCh37 (hg19) VCF-style: chr9-376280-A-G.
Other names: c.1976A>G, p.Gln659Arg (NM_001190458.2, NM_001193536.2); short protein forms Q659R, Q727R.
Identifiers: ClinVar variation 4781523 (VCV004781523.1).